The following is an entry in ClinVar:

ClinVar aggregate classification (germline): Uncertain significance. Review status: criteria provided, multiple submitters, no conflicts (2 of 4 stars). 2 submissions from 2 submitters: Uncertain significance (2). Last evaluated 2025-08-08.

Conditions:
Inborn genetic diseases. Identifiers: MedGen C0950123, MeSH D030342.

gnomAD v4.1: 2 of 1,614,042 alleles (0.00012%); highest among the groups gnomAD compares: Admixed American, 0.0017%; no homozygotes.

Submissions (2):

Ambry Genetics
Classification: Uncertain significance for Inborn genetic diseases. Last evaluated: 2025-08-08. Review status: criteria provided, single submitter. Criteria: Ambry Variant Classification Scheme 2023. Collection method: clinical testing. Allele origin: germline.

Women's Health and Genetics/Laboratory Corporation of America, LabCorp
Classification: Uncertain significance. Last evaluated: 2024-03-27. Review status: criteria provided, single submitter. Criteria: LabCorp Variant Classification Summary - May 2015. Collection method: clinical testing. Allele origin: germline.
Comment: Variant summary: ZMYM2 c.919G>A (p.Val307Met) results in a conservative amino acid change in the encoded protein sequence. Three of five in-silico tools predict a damaging effect of the variant on protein function. The variant allele was found at a frequency of 4e-06 in 250854 control chromosomes. The available data on variant occurrences in the general population are insufficient to allow any conclusion about variant significance. To our knowledge, no occurrence of c.919G>A in individuals affected with Neurodevelopmental-Craniofacial Syndrome With Variable Renal And Cardiac Abnormalities and no experimental evidence demonstrating its impact on protein function have been reported. No submitters have cited clinical-significance assessments for this variant to ClinVar. Based on the evidence outlined above, the variant was classified as uncertain significance.

NM_197968.4(ZMYM2):c.919G>A (p.Val307Met)

Gene: ZMYM2 (zinc finger MYM-type containing 2; plus strand). Cytogenetic location: 13q12.11.
Variant type: single nucleotide variant.
Coding change: c.919G>A on transcript NM_197968.4 (MANE Select); coding-DNA position 919, G replaced by A.
Protein change: p.Val307Met; replaces valine 307 with methionine.
Molecular consequence: missense variant. On other transcripts: non-coding transcript variant (1).
Genome position (GRCh38, 1-based): chr13:20,002,921, G>A. VCF-style: chr13-20002921-G-A. GRCh37 (hg19) VCF-style: chr13-20577061-G-A.
Other names: c.919G>A, p.Val307Met (NM_001190964.4, NM_001190965.4, NM_001353157.2 and 5 more transcripts); c.724G>A, p.Val242Met (NM_001353161.3); c.658G>A, p.Val220Met (NM_001353163.2); c.919G>A (NM_003453.3); short protein forms V220M, V242M, V307M.
Identifiers: ClinVar variation 3233750 (VCV003233750.3), dbSNP rs61749503, ClinGen allele CA387669460.